The following is an entry in ClinVar:

NM_001540.5(HSPB1):c.286C>A (p.Arg96Ser)

Gene: HSPB1 (heat shock protein family B (small) member 1; plus strand). Cytogenetic location: 7q11.23.
Variant type: single nucleotide variant.
Coding change: c.286C>A on transcript NM_001540.5 (MANE Select); coding-DNA position 286, C replaced by A.
Protein change: p.Arg96Ser; replaces arginine 96 with serine.
Molecular consequence: missense variant.
Genome position (GRCh38, 1-based): chr7:76,302,998, C>A. VCF-style: chr7-76302998-C-A. GRCh37 (hg19) VCF-style: chr7-75932315-C-A.
Other names: c.286C>A (LRG_248t1); short protein forms R96S.
Identifiers: ClinVar variation 653204 (VCV000653204.10), dbSNP rs761660005, ClinGen allele CA4306304.

ClinVar aggregate classification (germline): Uncertain significance (1 of 4 stars; one submission).

Conditions:
Charcot-Marie-Tooth disease axonal type 2F (CMT2F). Also called: CHARCOT-MARIE-TOOTH DISEASE, NEURONAL, TYPE 2F; Charcot-Marie-Tooth Neuropathy Type 2F. Identifiers: Orphanet 99940, MedGen C1847823, MONDO:0011687, OMIM 606595.

Allele frequency attached by ClinVar (database versions not stated): ExAC below 0.00001; gnomAD 0.00001; gnomAD exomes 0.00001; TOPMed 0.00001.
gnomAD v4.1: 3 of 1,543,276 alleles (0.00019%); highest among the groups gnomAD compares: Non-Finnish European, 0.00026%; no homozygotes.

Submission:

Labcorp Genetics (formerly Invitae), Labcorp
Classification: Uncertain significance for Charcot-Marie-Tooth disease axonal type 2F. Last evaluated: 2025-01-23. Review status: criteria provided, single submitter. Criteria: Invitae Variant Classification Sherloc (09022015). Collection method: clinical testing. Allele origin: germline.
Comment: This sequence change replaces arginine, which is basic and polar, with serine, which is neutral and polar, at codon 96 of the HSPB1 protein (p.Arg96Ser). The frequency data for this variant in the population databases is considered unreliable, as metrics indicate poor data quality at this position in the gnomAD database. This missense change has been observed in individual(s) with clinical features of HSPB1-related conditions (internal data). ClinVar contains an entry for this variant (Variation ID: 653204). Invitae Evidence Modeling of protein sequence and biophysical properties (such as structural, functional, and spatial information, amino acid conservation, physicochemical variation, residue mobility, and thermodynamic stability) has been performed for this missense variant. However, the output from this modeling did not meet the statistical confidence thresholds required to predict the impact of this variant on HSPB1 protein function. In summary, the available evidence is currently insufficient to determine the role of this variant in disease. Therefore, it has been classified as a Variant of Uncertain Significance.